The following is an entry in ClinVar:

ClinVar aggregate classification (germline): Uncertain significance (1 of 4 stars; one submission).

gnomAD v4.1: 14 of 1,614,048 alleles (0.00087%); highest among the groups gnomAD compares: African/African-American, 0.0013%; no homozygotes.

Submission:

Labcorp Genetics (formerly Invitae), Labcorp
Classification: Uncertain significance. Last evaluated: 2025-02-19. Review status: criteria provided, single submitter. Criteria: Invitae Variant Classification Sherloc (09022015). Collection method: clinical testing. Allele origin: germline.
Comment: This sequence change replaces alanine, which is neutral and non-polar, with threonine, which is neutral and polar, at codon 111 of the CANT1 protein (p.Ala111Thr). This variant is present in population databases (rs757164885, gnomAD 0.003%). This variant has not been reported in the literature in individuals affected with CANT1-related conditions. Invitae Evidence Modeling of protein sequence and biophysical properties (such as structural, functional, and spatial information, amino acid conservation, physicochemical variation, residue mobility, and thermodynamic stability) indicates that this missense variant is not expected to disrupt CANT1 protein function with a negative predictive value of 95%. In summary, the available evidence is currently insufficient to determine the role of this variant in disease. Therefore, it has been classified as a Variant of Uncertain Significance.

NM_001159773.2(CANT1):c.331G>A (p.Ala111Thr)

Gene: CANT1 (calcium activated nucleotidase 1; minus strand). Cytogenetic location: 17q25.3.
Variant type: single nucleotide variant.
Coding change: c.331G>A on transcript NM_001159773.2 (MANE Select); coding-DNA position 331, G replaced by A.
Protein change: p.Ala111Thr; replaces alanine 111 with threonine.
Molecular consequence: missense variant.
Genome position (GRCh38, 1-based): chr17:78,997,292, C>T on the plus strand (G>A on the coding strand, the complement: CANT1 is on the minus strand). VCF-style: chr17-78997292-C-T. GRCh37 (hg19) VCF-style: chr17-76993374-C-T.
Other names: c.331G>A, p.Ala111Thr (NM_001159772.2, NM_138793.4); short protein forms A111T.
Identifiers: ClinVar variation 3687548 (VCV003687548.2).